The following is an entry in ClinVar:

ClinVar aggregate classification (germline): Uncertain significance (1 of 4 stars; one submission).

Submission:

GeneDx
Classification: Uncertain significance. Last evaluated: 2020-09-02. Review status: criteria provided, single submitter. Criteria: GeneDx Variant Classification Process June 2021. Collection method: clinical testing. Allele origin: germline. Affected: yes.
Comment: Not observed in large population cohorts (Lek et al., 2016); In silico analysis supports that this missense variant does not alter protein structure/function; Has not been previously published as pathogenic or benign to our knowledge

NM_001001331.4(ATP2B2):c.885G>C (p.Glu295Asp)

Gene: ATP2B2 (ATPase plasma membrane Ca2+ transporting 2; minus strand). Cytogenetic location: 3p25.3.
Variant type: single nucleotide variant.
Coding change: c.885G>C on transcript NM_001001331.4 (MANE Select); coding-DNA position 885, G replaced by C.
Protein change: p.Glu295Asp; replaces glutamic acid 295 with aspartic acid.
Molecular consequence: missense variant.
Genome position (GRCh38, 1-based): chr3:10,388,299, C>G on the plus strand (G>C on the coding strand, the complement: ATP2B2 is on the minus strand). VCF-style: chr3-10388299-C-G. GRCh37 (hg19) VCF-style: chr3-10429983-C-G.
Other names: c.885G>C, p.Glu295Asp (NM_001330611.3, NM_001353564.1, NM_001363862.1 and 1 more transcripts); short protein forms E295D.
Identifiers: ClinVar variation 389229 (VCV000389229.3), dbSNP rs373192330, ClinGen allele CA16604434.